The following is an entry in ClinVar:

ClinVar aggregate classification (germline): Benign. Review status: criteria provided, multiple submitters, no conflicts (2 of 4 stars). 3 submissions from 3 submitters: Benign (3). Last evaluated 2026-02-02.

Conditions:
Immunodeficiency-centromeric instability-facial anomalies syndrome 1 (ICF1). Identifiers: Orphanet 2268, MedGen C4551557, MONDO:0009454, OMIM 242860.
Centromeric instability of chromosomes 1,9 and 16 and immunodeficiency (ICF1). Also called: CENTROMERIC INSTABILITY, IMMUNODEFICIENCY SYNDROME; IMMUNE DEFICIENCY, VARIABLE, WITH CENTROMERIC INSTABILITY OF CHROMOSOMES 1, 9, AND 16; IMMUNODEFICIENCY SYNDROME, VARIABLE; Immunodeficiency-centromeric instability-facial anomalies. Identifiers: Orphanet 2268, MedGen C0398788, MONDO:0000133.

Allele frequency attached by ClinVar (database versions not stated): gnomAD exomes 0.00302; ExAC 0.00382; gnomAD 0.01185 and 0.01256; ESP Exome Variant Server 0.01199; 1000 Genomes Project 0.01278; TOPMed 0.01370; 1000 Genomes Project 30x 0.01374.
gnomAD v4.1: 3,645 of 1,614,150 alleles (0.23%); highest among the groups gnomAD compares: African/African-American, 4.3%; 75 homozygotes.

Submissions (3):

Labcorp Genetics (formerly Invitae), Labcorp
Classification: Benign for Centromeric instability of chromosomes 1,9 and 16 and immunodeficiency. Last evaluated: 2026-02-02. Review status: criteria provided, single submitter. Criteria: Invitae Variant Classification Sherloc (09022015). Collection method: clinical testing. Allele origin: germline.

Illumina Laboratory Services, Illumina
Classification: Benign for Immunodeficiency-centromeric instability-facial anomalies syndrome 1. Last evaluated: 2018-01-13. Review status: criteria provided, single submitter. Criteria: ICSL Variant Classification Criteria 13 December 2019. Collection method: clinical testing. Allele origin: germline.
Comment: This variant was observed in the ICSL laboratory as part of a predisposition screen in an ostensibly healthy population. It had not been previously curated by ICSL or reported in the Human Gene Mutation Database (HGMD: prior to June 1st, 2018), and was therefore a candidate for classification through an automated scoring system. Utilizing variant allele frequency, disease prevalence and penetrance estimates, and inheritance mode, an automated score was calculated to assess if this variant is too frequent to cause the disease. Based on the score and internal cut-off values, a variant classified as benign is not then subjected to further curation. The score for this variant resulted in a classification of benign for this disease.

Breakthrough Genomics
Classification: Benign. Review status: criteria provided, single submitter. Criteria: ACMG Guidelines, 2015. Collection method: not provided. Allele origin: germline. Inheritance: Autosomal recessive inheritance. Affected: yes.

NM_006892.4(DNMT3B):c.1413C>T (p.Asp471=)

Gene: DNMT3B (DNA methyltransferase 3 beta; plus strand). Cytogenetic location: 20q11.21.
Variant type: single nucleotide variant.
Coding change: c.1413C>T on transcript NM_006892.4 (MANE Select); coding-DNA position 1413, C replaced by T.
Protein change: p.Asp471=; no amino-acid change (aspartic acid 471 retained).
Molecular consequence: synonymous variant.
Genome position (GRCh38, 1-based): chr20:32,797,222, C>T. VCF-style: chr20-32797222-C-T. GRCh37 (hg19) VCF-style: chr20-31385028-C-T.
Other names: c.1227C>T, p.Asp409= (NM_001207055.2); c.1125C>T, p.Asp375= (NM_001207056.2); c.1353C>T, p.Asp451= (NM_175848.2, NM_175849.2); c.1389C>T, p.Asp463= (NM_175850.3).
Identifiers: ClinVar variation 338168 (VCV000338168.16), dbSNP rs6119965, ClinGen allele CA9810590.